The following is an entry in ClinVar:

ClinVar aggregate classification (germline): Likely benign. Review status: criteria provided, single submitter (1 of 4 stars). 2 submissions from 2 submitters: Likely benign (1). 1 of the submissions does not count toward it. Last evaluated 2016-03-18.

Conditions:
Ovarian neoplasm. Also called: Ovarian tumor; Neoplasm of ovary; Ovarian Neoplasms. Identifiers: MedGen C0919267, MeSH D010051, MONDO:0021068, HP:0100615.

Submissions (2):

Center for Pediatric Genomic Medicine, Children's Mercy Hospital and Clinics
Classification: Likely benign. Last evaluated: 2016-03-18. Review status: criteria provided, single submitter. Criteria: ACMG Guidelines, 2015. Collection method: clinical testing. Allele origin: germline.
ClinVar note: Converted during submission from Likely Benign to Likely benign.

Department of Zoology Govt. MVM College
Classification: Likely pathogenic for Neoplasm of ovary. Review status: no assertion criteria provided. Collection method: not provided. Allele origin: unknown. Not counted in ClinVar's aggregate classification.
Comment: KM275488
ClinVar note: Converted during submission from probable-pathogenic to Likely pathogenic.

NC_012920.1(MT-CYB):m.15511T>C

Gene: MT-CYB (mitochondrially encoded cytochrome b; plus strand).
Variant type: single nucleotide variant.
Genome position: chrM-15511-T-C.
Identifiers: ClinVar variation 143893 (VCV000143893.3), dbSNP rs527236188, ClinGen allele CA170529.